The following is an entry in ClinVar:

NM_002693.3(POLG):c.3597C>A (p.Thr1199=)

Gene: POLG (DNA polymerase gamma, catalytic subunit; minus strand). Cytogenetic location: 15q26.1.
Variant type: single nucleotide variant.
Coding change: c.3597C>A on transcript NM_002693.3 (MANE Select); coding-DNA position 3597, C replaced by A.
Protein change: p.Thr1199=; no amino-acid change (threonine 1199 retained).
Molecular consequence: synonymous variant.
Genome position (GRCh38, 1-based): chr15:89,317,422, G>T on the plus strand (C>A on the coding strand, the complement: POLG is on the minus strand). VCF-style: chr15-89317422-G-T. GRCh37 (hg19) VCF-style: chr15-89860653-G-T.
Other names: p.T1199T:ACC>ACA; c.3597C>A, p.Thr1199= (NM_001126131.2); c.3597C>A (NM_002693.2).
Identifiers: ClinVar variation 138766 (VCV000138766.64), dbSNP rs2307443, ClinGen allele CA292856.

ClinVar aggregate classification (germline): Benign. Review status: reviewed by expert panel (3 of 4 stars). 16 submissions from 16 submitters: Benign (1). 15 of the submissions do not count toward it. Last evaluated 2021-05-06.

Conditions:
POLG-related disorder. Also called: POLG-related condition; POLG-Related Disorders; POLG-Related Spectrum Disorders. Identifiers: MedGen C4763519.
Inborn genetic diseases. Identifiers: MedGen C0950123, MeSH D030342.
Hereditary spastic paraplegia. Also called: Familial spastic paraparesis. Identifiers: Orphanet 685, MedGen C0037773, MONDO:0019064. Disease mechanism: loss of function.
Mitochondrial disease. Also called: Mitochondrial disorders; Mitochondrial disorder. Identifiers: Orphanet 68380, MedGen C0751651, MeSH D028361, MONDO:0044970.
Progressive sclerosing poliodystrophy (MTDPS4A). Also called: Alpers-Huttenlocher Syndrome (AHS); NEURONAL DEGENERATION OF CHILDHOOD WITH LIVER DISEASE, PROGRESSIVE; ALPERS PROGRESSIVE INFANTILE POLIODYSTROPHY; Alpers Syndrome; Alpers-Huttenlocher Syndrome; ALPERS DIFFUSE DEGENERATION OF CEREBRAL GRAY MATTER WITH HEPATIC CIRRHOSIS. Identifiers: Orphanet 726, MedGen C0205710, MONDO:0008758, OMIM 203700.

Allele frequency attached by ClinVar (database versions not stated): 1000 Genomes Project 30x 0.00187; 1000 Genomes Project 0.00220; TOPMed 0.00614; gnomAD 0.00737 and 0.00770; ESP Exome Variant Server 0.00869.
gnomAD v4.1: 16,375 of 1,613,984 alleles (1%); highest among the groups gnomAD compares: Non-Finnish European, 1.2%; 118 homozygotes.

Submissions (16):

ClinGen Mitochondrial Disease Nuclear and Mitochondrial  Variant Curation Expert Panel, ClinGen
Classification: Benign for Mitochondrial disease. Last evaluated: 2021-05-06. Review status: reviewed by expert panel. Criteria: ClinGen Mito Disease ACMG Specifications v1. Collection method: curation. Allele origin: germline. Inheritance: Autosomal recessive inheritance.
Comment: The c.3597C>A (p.T1199=) variant in POLG is present in population databases ExAC at 1.269 (BA1; observed > 1% frequency). Computational prediction tool Revel unavailable given limited data. This variant was observed in homozygotes in 17 cases in gnomAD and 5 case in ExAC (BS2). This variant is a coding synonymous change (BP7). In summary, there is sufficient evidence to characterized this variant as a benign for primary mitochondrial disease inherited in an autosomal recessive manner. ntDNA Mitochondrial ACMG-AMP Criteria for POLG applied: BA1, BS2, BP7.

CeGaT Center for Human Genetics Tuebingen
Classification: Benign. Last evaluated: 2026-09-01. Review status: criteria provided, single submitter. Criteria: CeGaT Center For Human Genetics Tuebingen Variant Classification Criteria Version 2. Collection method: clinical testing. Allele origin: germline. Affected: yes. Observed: 102 variant alleles. Not counted in ClinVar's aggregate classification.
Comment: POLG: BP4, BP7, BS1, BS2

Labcorp Genetics (formerly Invitae), Labcorp
Classification: Benign for Progressive sclerosing poliodystrophy. Last evaluated: 2026-02-04. Review status: criteria provided, single submitter. Criteria: Invitae Variant Classification Sherloc (09022015). Collection method: clinical testing. Allele origin: germline. Not counted in ClinVar's aggregate classification.

Blueprint Genetics
Classification: Likely benign. Last evaluated: 2024-11-26. Review status: criteria provided, single submitter. Criteria: ACMG Guidelines, 2015. Collection method: clinical testing. Allele origin: germline. Not counted in ClinVar's aggregate classification.

Genome Diagnostics Laboratory, The Hospital for Sick Children
Classification: Benign for Hereditary spastic paraplegia. Last evaluated: 2021-06-06. Review status: criteria provided, single submitter. Criteria: ACMG Guidelines, 2015. Collection method: clinical testing. Allele origin: germline. Affected: yes. Not counted in ClinVar's aggregate classification.

Wong Mito Lab, Molecular and Human Genetics, Baylor College of Medicine
Classification: Benign for Progressive sclerosing poliodystrophy. Last evaluated: 2018-10-01. Review status: criteria provided, single submitter. Criteria: ACMG Guidelines, 2015. Collection method: clinical testing. Allele origin: germline. Not counted in ClinVar's aggregate classification.
Comment: The NM_002693.2:c.3597C>A (NP_002684.1:p.Thr1199=) [GRCH38: NC_000015.10:g.89317422G>T] variant in POLG gene is interpretated to be a Benign based on ACMG guidelines (PMID: 25741868). This variant meets the following evidence codes reported in the ACMG-guideline. BS1:The minor allele frequency of this allele is high for Mitochondrial DNA depletion syndrome 4A (Alpers type). BS2:Observation of the variant in controls is inconsistent with penetrance of Mitochondrial DNA depletion syndrome 4A (Alpers type). BP4:Computational evidence/predictors indicate no impact on the POLG structure, function, or protein-protein interaction. BP7:The variant is silent with non predicted splice impact. Based on the evidence criteria codes applied, the variant is suggested to be Benign.

Illumina Laboratory Services, Illumina
Classification: Likely benign for POLG-Related Spectrum Disorders. Last evaluated: 2018-01-12. Review status: criteria provided, single submitter. Criteria: ICSL Variant Classification Criteria 13 December 2019. Collection method: clinical testing. Allele origin: germline. Not counted in ClinVar's aggregate classification.
Comment: This variant was observed in the ICSL laboratory as part of a predisposition screen in an ostensibly healthy population. It had not been previously curated by ICSL or reported in the Human Gene Mutation Database (HGMD: prior to June 1st, 2018), and was therefore a candidate for classification through an automated scoring system. Utilizing variant allele frequency, disease prevalence and penetrance estimates, and inheritance mode, an automated score was calculated to assess if this variant is too frequent to cause the disease. Based on the score and internal cut-off values, a variant classified as likely benign is not then subjected to further curation. The score for this variant resulted in a classification of likely benign for this disease.

Athena Diagnostics
Classification: Benign. Last evaluated: 2017-07-20. Review status: criteria provided, single submitter. Criteria: Athena Diagnostics Criteria. Collection method: clinical testing. Allele origin: germline. Not counted in ClinVar's aggregate classification.

Ambry Genetics
Classification: Benign for Inborn genetic diseases. Last evaluated: 2016-05-26. Review status: criteria provided, single submitter. Criteria: Ambry Variant Classification Scheme 2023. Collection method: clinical testing. Allele origin: germline. Not counted in ClinVar's aggregate classification.

GeneDx
Classification: Benign. Last evaluated: 2012-03-26. Review status: criteria provided, single submitter. Criteria: GeneDx Variant Classification (06012015). Collection method: clinical testing. Allele origin: germline. Affected: yes. Not counted in ClinVar's aggregate classification.
Comment: This variant is considered likely benign or benign based on one or more of the following criteria: it is a conservative change, it occurs at a poorly conserved position in the protein, it is predicted to be benign by multiple in silico algorithms, and/or has population frequency not consistent with disease.

Breakthrough Genomics
Classification: Benign. Review status: criteria provided, single submitter. Criteria: ACMG Guidelines, 2015. Collection method: not provided. Allele origin: germline. Inheritance: Autosomal recessive inheritance. Affected: yes. Not counted in ClinVar's aggregate classification.

PreventionGenetics, part of Exact Sciences
Classification: Benign. Review status: criteria provided, single submitter. Criteria: ACMG Guidelines, 2015. Collection method: clinical testing. Allele origin: germline. Not counted in ClinVar's aggregate classification.

Mayo Clinic Laboratories, Mayo Clinic
Classification: Benign. Last evaluated: 2016-02-19. Review status: no assertion criteria provided. Collection method: clinical testing. Allele origin: unknown. Not counted in ClinVar's aggregate classification.

Clinical Genetics DNA and cytogenetics Diagnostics Lab, Erasmus MC, Erasmus Medical Center
Classification: Benign. Review status: no assertion criteria provided. Collection method: clinical testing. Allele origin: germline. Affected: yes. Study: VKGL Data-share Consensus. Not counted in ClinVar's aggregate classification.

Diagnostic Laboratory, Department of Genetics, University Medical Center Groningen
Classification: Likely benign. Review status: no assertion criteria provided. Collection method: clinical testing. Allele origin: germline. Affected: yes. Study: VKGL Data-share Consensus. Not counted in ClinVar's aggregate classification.

Joint Genome Diagnostic Labs from Nijmegen and Maastricht, Radboudumc and MUMC+
Classification: Benign. Review status: no assertion criteria provided. Collection method: clinical testing. Allele origin: germline. Affected: yes. Study: VKGL Data-share Consensus. Not counted in ClinVar's aggregate classification.